The following is an entry in ClinVar:

ClinVar aggregate classification (germline): Conflicting classifications of pathogenicity. Review status: criteria provided, conflicting classifications (1 of 4 stars). 3 submissions from 3 submitters: Uncertain significance (2); Likely benign (1). Last evaluated 2025-11-16.

Allele frequency attached by ClinVar (database versions not stated): TOPMed below 0.00001; gnomAD 0.00001.

Submissions (3):

Ambry Genetics
Classification: Uncertain significance. Last evaluated: 2025-11-16. Review status: criteria provided, single submitter. Criteria: Ambry Variant Classification Scheme 2023. Collection method: clinical testing. Allele origin: germline.
Comment: The p.I1165M variant (also known as c.3495C>G), located in coding exon 28 of the A2ML1 gene, results from a C to G substitution at nucleotide position 3495. The isoleucine at codon 1165 is replaced by methionine, an amino acid with highly similar properties. This amino acid position is conserved. In addition, this alteration is predicted to be tolerated by in silico analysis. Since supporting evidence is limited at this time, the clinical significance of this alteration remains unclear.

Women's Health and Genetics/Laboratory Corporation of America, LabCorp
Classification: Uncertain significance. Last evaluated: 2020-05-18. Review status: criteria provided, single submitter. Criteria: LabCorp Variant Classification Summary - May 2015. Collection method: clinical testing. Allele origin: germline.
Comment: Variant summary: A2ML1 c.3495C>G (p.Ile1165Met) results in a conservative amino acid change located in the Alpha-macroglobulin-like, TED domain (IPR011626) of the encoded protein sequence. Three of five in-silico tools predict a benign effect of the variant on protein function. The variant was absent in 249042 control chromosomes (gnomAD). The available data on variant occurrences in the general population are insufficient to allow any conclusion about variant significance. To our knowledge, no occurrence of c.3495C>G in individuals affected with Noonan Syndrome And Related Conditions and no experimental evidence demonstrating its impact on protein function have been reported. A ClinVar submitter (evaluation after 2014) cites the variant as likely benign. Based on the evidence outlined above, the variant was classified as uncertain significance.

GeneDx
Classification: Likely benign. Last evaluated: 2017-07-18. Review status: criteria provided, single submitter. Criteria: GeneDx Variant Classification (06012015). Collection method: clinical testing. Allele origin: germline. Affected: yes.
Comment: This variant is considered likely benign or benign based on one or more of the following criteria: it is a conservative change, it occurs at a poorly conserved position in the protein, it is predicted to be benign by multiple in silico algorithms, and/or has population frequency not consistent with disease.

NM_144670.6(A2ML1):c.3495C>G (p.Ile1165Met)

Gene: A2ML1 (alpha-2-macroglobulin like 1; plus strand). Cytogenetic location: 12p13.31.
Variant type: single nucleotide variant.
Coding change: c.3495C>G on transcript NM_144670.6 (MANE Select); coding-DNA position 3495, C replaced by G.
Protein change: p.Ile1165Met; replaces isoleucine 1165 with methionine.
Molecular consequence: missense variant.
Genome position (GRCh38, 1-based): chr12:8,861,290, C>G. VCF-style: chr12-8861290-C-G. GRCh37 (hg19) VCF-style: chr12-9013886-C-G.
Other names: c.3495C>G (NM_144670.3); c.2022C>G, p.Ile674Met (NM_001282424.3); short protein forms I1165M, I674M.
Identifiers: ClinVar variation 510942 (VCV000510942.6), dbSNP rs868320081, ClinGen allele CA383841065.
Genomic context (GRCh38, chr12:8,861,290, plus strand): 5'-CCTGGCTGGGGAAATGGACATCAGAAACATTCTCCTTAAACAGTTAGATCAACAGGCTAT[C>G]ATCTCAGGTATGTTGGTCCTGTTGAGAGTTCTTTGAAATTGTGAACATAAGCTGTGAGTT-3'
Protein context (NP_653271.3, residues 1155-1175): ILLKQLDQQA[Ile1165Met]ISGESIYWSQ